The following is an entry in ClinVar:

NM_000059.4(BRCA2):c.53G>A (p.Arg18His)

Gene: BRCA2 (BRCA2 DNA repair associated; plus strand). Cytogenetic location: 13q13.1.
Variant type: single nucleotide variant.
Coding change: c.53G>A on transcript NM_000059.4 (MANE Select); coding-DNA position 53, G replaced by A.
Protein change: p.Arg18His; replaces arginine 18 with histidine.
Molecular consequence: missense variant.
Genome position (GRCh38, 1-based): chr13:32,316,513, G>A. VCF-style: chr13-32316513-G-A. GRCh37 (hg19) VCF-style: chr13-32890650-G-A.
Other names: 281G>A; short protein forms R18H.
Identifiers: ClinVar variation 51855 (VCV000051855.26), dbSNP rs80358762, ClinGen allele CA022238.

ClinVar aggregate classification (germline): Benign. Review status: reviewed by expert panel (3 of 4 stars). 11 submissions from 11 submitters: Benign (1). 10 of the submissions do not count toward it. Last evaluated 2015-08-10.

Conditions:
Hereditary breast ovarian cancer syndrome. Also called: Hereditary breast and ovarian cancer syndrome; Hereditary breast and ovarian cancer; Hereditary breast and ovarian cancer syndrome (HBOC); Breast and ovarian cancer; Hereditary breast and/or ovarian cancer syndrome; BRCA1- and BRCA2-Associated Hereditary Breast and Ovarian Cancer. Identifiers: Orphanet 145, MedGen C0677776, MeSH D061325, MONDO:0003582. Disease mechanism: loss of function.
Hereditary cancer-predisposing syndrome. Also called: Neoplastic Syndromes, Hereditary; Tumor predisposition; Hereditary neoplastic syndrome; Hereditary Cancer Syndrome. Identifiers: Orphanet 140162, MedGen C0027672, MeSH D009386, MONDO:0015356.
Breast-ovarian cancer, familial, susceptibility to, 2 (BROVCA2). Also called: BRCA2 Hereditary Breast and Ovarian Cancer. Identifiers: Orphanet 145, MedGen C2675520, MONDO:0012933, OMIM 612555. Disease mechanism: loss of function.

Allele frequency attached by ClinVar (database versions not stated): gnomAD 0.00001 and 0.00003; TOPMed 0.00001; gnomAD exomes 0.00002 and 0.00007; ExAC 0.00004; 1000 Genomes Project 30x 0.00031; 1000 Genomes Project 0.00040.
gnomAD v4.1: 106 of 1,613,734 alleles (0.0066%); highest among the groups gnomAD compares: East Asian, 0.23%; no homozygotes.

Submissions (11):

Evidence-based Network for the Interpretation of Germline Mutant Alleles (ENIGMA)
Classification: Benign for Breast-ovarian cancer, familial 2. Last evaluated: 2015-08-10. Review status: reviewed by expert panel. Criteria: ENIGMA BRCA1/2 Classification Criteria (2015). Collection method: curation. Allele origin: germline.
Comment: IARC class based on posterior probability from multifactorial likelihood analysis, thresholds for class as per Plon et al. 2008 (PMID: 18951446). Class 1 based on posterior probability = 0.00035

Labcorp Genetics (formerly Invitae), Labcorp
Classification: Likely benign for Hereditary breast ovarian cancer syndrome. Last evaluated: 2025-12-21. Review status: criteria provided, single submitter. Criteria: Invitae Variant Classification Sherloc (09022015). Collection method: clinical testing. Allele origin: germline. Not counted in ClinVar's aggregate classification.

Quest Diagnostics Nichols Institute San Juan Capistrano
Classification: Likely benign. Last evaluated: 2023-03-23. Review status: criteria provided, single submitter. Criteria: Quest Diagnostics criteria. Collection method: clinical testing. Allele origin: unknown. Not counted in ClinVar's aggregate classification.

Women's Health and Genetics/Laboratory Corporation of America, LabCorp
Classification: Benign. Last evaluated: 2021-07-31. Review status: criteria provided, single submitter. Criteria: LabCorp Variant Classification Summary - May 2015. Collection method: clinical testing. Allele origin: germline. Not counted in ClinVar's aggregate classification.
Comment: Variant summary: BRCA2 c.53G>A (p.Arg18His) results in a non-conservative amino acid change in the encoded protein sequence. Four of five in-silico tools predict a benign effect of the variant on protein function. The variant allele was found at a frequency of 2.4e-05 in 251948 control chromosomes, predominantly at a frequency of 0.00027 within the East Asian subpopulation in the gnomAD database. The available data on variant occurrences in the general population are insufficient to allow any conclusion about variant significance. However, the variant allele is also reported in databases specific to Japanese individuals at a frequency of 0.0043 (HGVD-Kyoto, jMorp). The observed variant frequency within Japanese individuals in these databases is approximately 6-fold of the estimated maximal expected allele frequency for a pathogenic variant in BRCA2 causing Hereditary Breast and Ovarian Cancer Syndrome phenotype (0.00075), suggesting that the variant is a benign polymorphism found primarily in populations of East Asian origin. c.53G>A has been reported in the literature with classifications ranging from VUS to likely benign in individuals affected with Hereditary Breast and Ovarian Cancer, prostate cancer and pancreatic ductal adenocarcinoma (e.g. Han_2006, Spurdle_2008, Hayano_2016, Park_2017, Choi_2018, Nakagomi_2018, Takeuchi_2018, So_2019, Terashima_2019). These reports do not provide unequivocal conclusions about association of the variant with Hereditary Breast And Ovarian Cancer Syndrome. Multiple co-occurrences with pathogenic variants have been reported in databases and literature (e.g. BIC database-BRCA1 c.3715_3717delTCTinsC, p.Ser1239Profs; KConfab database-BRCA2 c.5237_5238dup, p.Asn1747LeufsX31; Jia_2018-MLH1 c.1852_1854delAAG , p.K618del), providing further supporting evidence for a benign role. This is consistent with multifactorial probability models that report a neutral outcome (Lindor_2012). Experimental evidence evaluating an impact on protein function through utilization of a homology directed repair (HDR) assay demonstrated the variant retained normal function (e.g. Xia_2006, Mesman_2019). Five ClinVar submitters including an expert panel (ENIGMA) (evaluation after 2014) cite the variant as benign/likely benign. Based on the evidence outlined above, the variant was classified as benign.

Sema4
Classification: Likely benign for Hereditary cancer-predisposing syndrome. Last evaluated: 2021-04-14. Review status: criteria provided, single submitter. Criteria: Sema4 Curation Guidelines. Collection method: curation. Allele origin: germline. Not counted in ClinVar's aggregate classification.

GeneDx
Classification: Likely benign. Last evaluated: 2019-11-25. Review status: criteria provided, single submitter. Criteria: GeneDx Variant Classification Process June 2021. Collection method: clinical testing. Allele origin: germline. Affected: yes. Not counted in ClinVar's aggregate classification.
Comment: This variant is associated with the following publications: (PMID: 21990134, 24323938, 16949048, 27701467, 17100994, 18375895, 21702907, 25017803, 29215753, 30415210, 29988080, 28111427, 29929473, 29240602, 29176636, 16793542, 29802286, 32444794)

Color Diagnostics, LLC DBA Color Health
Classification: Likely benign for Hereditary cancer-predisposing syndrome. Last evaluated: 2015-04-27. Review status: criteria provided, single submitter. Criteria: ACMG Guidelines, 2015. Collection method: clinical testing. Allele origin: germline. Not counted in ClinVar's aggregate classification.

Ambry Genetics
Classification: Benign for Hereditary cancer-predisposing syndrome. Last evaluated: 2014-11-19. Review status: criteria provided, single submitter. Criteria: Ambry Variant Classification Scheme 2023. Collection method: clinical testing. Allele origin: germline. Not counted in ClinVar's aggregate classification.

Counsyl
Classification: Likely benign for Breast-ovarian cancer, familial 2. Last evaluated: 2014-10-02. Review status: no assertion criteria provided. Collection method: literature only. Allele origin: unknown. Inheritance: Autosomal dominant inheritance. Not counted in ClinVar's aggregate classification.

Sharing Clinical Reports Project (SCRP)
Classification: Likely benign for Breast-ovarian cancer, familial 2. Last evaluated: 2010-08-26. Review status: no assertion criteria provided. Collection method: clinical testing. Allele origin: germline. Not counted in ClinVar's aggregate classification.

Breast Cancer Information Core (BIC) (BRCA2)
Classification: Uncertain significance for Breast-ovarian cancer, familial 2. Last evaluated: 2000-06-12. Review status: no assertion criteria provided. Collection method: clinical testing. Allele origin: germline. Affected: yes. Observed: 3 variant alleles. Not counted in ClinVar's aggregate classification.

Literature cited by the submitters: PubMed 21990134 (cited by 4 submitters); PubMed 31666926 (cited by Quest Diagnostics Nichols Institute San Juan Capistrano and Women's Health and Genetics/Laboratory Corporation of America, LabCorp); PubMed 29802286 (cited by Quest Diagnostics Nichols Institute San Juan Capistrano and Women's Health and Genetics/Laboratory Corporation of America, LabCorp); PubMed 29240602 (cited by Quest Diagnostics Nichols Institute San Juan Capistrano and Women's Health and Genetics/Laboratory Corporation of America, LabCorp); PubMed 29215753 (cited by Quest Diagnostics Nichols Institute San Juan Capistrano and Women's Health and Genetics/Laboratory Corporation of America, LabCorp); PubMed 29176636 (cited by Quest Diagnostics Nichols Institute San Juan Capistrano and Women's Health and Genetics/Laboratory Corporation of America, LabCorp); PubMed 17100994 (cited by 3 submitters); PubMed 21702907 (cited by Quest Diagnostics Nichols Institute San Juan Capistrano and Women's Health and Genetics/Laboratory Corporation of America, LabCorp); PubMed 18375895 (cited by 3 submitters); PubMed 16949048 (cited by 3 submitters); PubMed 29988080 (cited by Quest Diagnostics Nichols Institute San Juan Capistrano and Women's Health and Genetics/Laboratory Corporation of America, LabCorp); PubMed 30415210 (cited by Quest Diagnostics Nichols Institute San Juan Capistrano and Women's Health and Genetics/Laboratory Corporation of America, LabCorp); PubMed 24323938 (cited by 3 submitters); PubMed 16793542 (cited by Quest Diagnostics Nichols Institute San Juan Capistrano and Women's Health and Genetics/Laboratory Corporation of America, LabCorp); PubMed 27701467 (cited by Quest Diagnostics Nichols Institute San Juan Capistrano and Women's Health and Genetics/Laboratory Corporation of America, LabCorp); PubMed 18446624 (cited by Women's Health and Genetics/Laboratory Corporation of America, LabCorp); PubMed 25017803 (cited by Women's Health and Genetics/Laboratory Corporation of America, LabCorp); PubMed 28111427 (cited by Women's Health and Genetics/Laboratory Corporation of America, LabCorp); PubMed 30212499 (cited by Women's Health and Genetics/Laboratory Corporation of America, LabCorp); PubMed 29929473 (cited by Women's Health and Genetics/Laboratory Corporation of America, LabCorp); PubMed 30725392 (cited by Women's Health and Genetics/Laboratory Corporation of America, LabCorp); PubMed 32444794 (cited by Women's Health and Genetics/Laboratory Corporation of America, LabCorp).